The following is an entry in ClinVar:

NM_000017.4(ACADS):c.359A>G (p.Asn120Ser)

Gene: ACADS (acyl-CoA dehydrogenase short chain; plus strand). Cytogenetic location: 12q24.31.
Variant type: single nucleotide variant.
Coding change: c.359A>G on transcript NM_000017.4 (MANE Select); coding-DNA position 359, A replaced by G.
Protein change: p.Asn120Ser; replaces asparagine 120 with serine.
Molecular consequence: missense variant.
Genome position (GRCh38, 1-based): chr12:120,737,134, A>G. VCF-style: chr12-120737134-A-G. GRCh37 (hg19) VCF-style: chr12-121174937-A-G.
Other names: c.359A>G, p.Asn120Ser (NM_001302554.2); short protein forms N120S.
Identifiers: ClinVar variation 2180419 (VCV002180419.4), dbSNP rs773156731, ClinGen allele CA6830833.

ClinVar aggregate classification (germline): Uncertain significance (1 of 4 stars; one submission).

Conditions:
Deficiency of butyryl-CoA dehydrogenase (ACADSD). Also called: SCADH DEFICIENCY; Short-Chain Acyl-CoA Dehydrogenase Deficiency; SCAD Deficiency; ACADS DEFICIENCY; ACYL-CoA DEHYDROGENASE, SHORT-CHAIN, DEFICIENCY OF; SCAD DEFICIENCY, MILD. Identifiers: Orphanet 26792, MedGen C0342783, MONDO:0008722, OMIM 201470. Disease mechanism: May be benign.

Allele frequency attached by ClinVar (database versions not stated): gnomAD exomes below 0.00001; TOPMed below 0.00001; ExAC 0.00002.
gnomAD v4.1: 2 of 1,581,074 alleles (0.00013%); highest among the groups gnomAD compares: Admixed American, 0.0036%; no homozygotes.

Submission:

Labcorp Genetics (formerly Invitae), Labcorp
Classification: Uncertain significance for Deficiency of butyryl-CoA dehydrogenase. Last evaluated: 2024-03-14. Review status: criteria provided, single submitter. Criteria: Invitae Variant Classification Sherloc (09022015). Collection method: clinical testing. Allele origin: germline.
Comment: This sequence change replaces asparagine, which is neutral and polar, with serine, which is neutral and polar, at codon 120 of the ACADS protein (p.Asn120Ser). The frequency data for this variant in the population databases is considered unreliable, as metrics indicate poor data quality at this position in the gnomAD database. This variant has not been reported in the literature in individuals affected with ACADS-related conditions. ClinVar contains an entry for this variant (Variation ID: 2180419). An algorithm developed to predict the effect of missense changes on protein structure and function (PolyPhen-2) suggests that this variant is likely to be disruptive. In summary, the available evidence is currently insufficient to determine the role of this variant in disease. Therefore, it has been classified as a Variant of Uncertain Significance.